The following is an entry in ClinVar:

NM_003227.4(TFR2):c.1115_1116del (p.Lys372fs)

Gene: TFR2 (transferrin receptor 2; minus strand). Cytogenetic location: 7q22.1.
Variant type: Deletion.
Coding change: c.1115_1116del on transcript NM_003227.4 (MANE Select); coding-DNA positions 1115 to 1116, 2 bases deleted (AA; older notation c.1115_1116delAA).
Protein change: p.Lys372fs; shifts the reading frame from lysine 372.
Molecular consequence: frameshift variant.
Genome position (GRCh38, 1-based): chr7:100,631,043-100,631,044, TT deleted on the plus strand (AA on the coding strand, the reverse complement: TFR2 is on the minus strand); deleting any 2 consecutive bases within chr7:100,631,043-100,631,045 gives the same sequence; the c. name uses the placement nearest the transcript's 3' end. VCF-style (leftmost placement, unchanged base first): chr7-100631042-CTT-C. GRCh37 (hg19) VCF-style: chr7-100228665-CTT-C.
Other names: c.602_603del, p.Lys201fs (NM_001206855.3); short protein forms K201fs, K372fs.
Identifiers: ClinVar variation 947527 (VCV000947527.7), dbSNP rs1803418157, ClinGen allele CA1139659996.

ClinVar aggregate classification (germline): Pathogenic (1 of 4 stars; one submission).

Conditions:
Hereditary hemochromatosis (HFE). Identifiers: MedGen C0392514, MONDO:0006507. Disease mechanism: loss of function.

Submission:

Labcorp Genetics (formerly Invitae), Labcorp
Classification: Pathogenic for Hereditary hemochromatosis. Last evaluated: 2023-02-16. Review status: criteria provided, single submitter. Criteria: Invitae Variant Classification Sherloc (09022015). Collection method: clinical testing. Allele origin: germline.
Comment: This variant has not been reported in the literature in individuals affected with TFR2-related conditions. This variant is not present in population databases (gnomAD no frequency). This sequence change creates a premature translational stop signal (p.Lys372Argfs*70) in the TFR2 gene. It is expected to result in an absent or disrupted protein product. Loss-of-function variants in TFR2 are known to be pathogenic (PMID: 23600741, 26029709). ClinVar contains an entry for this variant (Variation ID: 947527). For these reasons, this variant has been classified as Pathogenic.

Literature cited by the submitters: PubMed 23600741; PubMed 26029709.